The following is an entry in ClinVar:

ClinVar aggregate classification (germline): Pathogenic (1 of 4 stars; one submission).

Conditions:
Developmental and epileptic encephalopathy, 11 (DEE11). Also called: Early infantile epileptic encephalopathy 11. Identifiers: Orphanet 1934, MedGen C3150987, MONDO:0013388, OMIM 613721.
Seizures, benign familial infantile, 3 (BFIS3). Also called: CONVULSIONS, BENIGN FAMILIAL INFANTILE, 3; Familial neonatal seizures. Identifiers: Orphanet 140927, Orphanet 306, MedGen C1843140, MONDO:0011904, OMIM 607745.

Submission:

Labcorp Genetics (formerly Invitae), Labcorp
Classification: Pathogenic for Seizures, benign familial infantile, 3; Developmental and epileptic encephalopathy, 11. Last evaluated: 2024-10-17. Review status: criteria provided, single submitter. Criteria: Invitae Variant Classification Sherloc (09022015). Collection method: clinical testing. Allele origin: germline.
Comment: This sequence change creates a premature translational stop signal (p.Asn503Lysfs*19) in the SCN2A gene. It is expected to result in an absent or disrupted protein product. Loss-of-function variants in SCN2A are known to be pathogenic (PMID: 28379373). This variant is not present in population databases (gnomAD no frequency). This premature translational stop signal has been observed in individual(s) with intellectual disability (PMID: 23020937). For these reasons, this variant has been classified as Pathogenic.

Literature cited by the submitters: PubMed 28379373; PubMed 23020937.

NM_001040142.2(SCN2A):c.1508dup (p.Asn503fs)

Gene: SCN2A (sodium voltage-gated channel alpha subunit 2; plus strand). Cytogenetic location: 2q24.3.
Variant type: Duplication.
Coding change: c.1508dup on transcript NM_001040142.2 (MANE Select); coding-DNA position 1508, one base duplicated (A; older notation c.1508dupA).
Protein change: p.Asn503fs; shifts the reading frame from asparagine 503.
Molecular consequence: frameshift variant.
Genome position (GRCh38, 1-based): chr2:165,315,595, A duplicated; the last of 5 consecutive A bases (chr2:165,315,591-165,315,595); duplicating any one gives the same sequence. VCF-style (leftmost placement, unchanged base first): chr2-165315590-G-GA. GRCh37 (hg19) VCF-style: chr2-166172100-G-GA.
Other names: c.1508dup, p.Asn503fs (NM_001040143.2, NM_001371246.1, NM_001371247.1 and 1 more transcripts); short protein forms N503fs.
Identifiers: ClinVar variation 2925327 (VCV002925327.3), dbSNP rs2467908837, ClinGen allele CA658766564.